The following is an entry in ClinVar:

ClinVar aggregate classification (germline): Likely benign. Review status: criteria provided, multiple submitters, no conflicts (2 of 4 stars). 5 submissions from 5 submitters: Likely benign (4). 1 of the submissions does not count toward it. Last evaluated 2026-01-18.

Conditions:
TWNK-related disorder. Also called: TWNK-related condition.

Allele frequency attached by ClinVar (database versions not stated): gnomAD exomes 0.00001 and 0.00009; ExAC 0.00010; gnomAD 0.00013 and 0.00014; TOPMed 0.00015; 1000 Genomes Project 30x 0.00016; 1000 Genomes Project 0.00020; ESP Exome Variant Server 0.00023.
gnomAD v4.1: 56 of 1,614,020 alleles (0.0035%); highest among the groups gnomAD compares: East Asian, 0.027%; 1 homozygote.

Submissions (5):

Labcorp Genetics (formerly Invitae), Labcorp
Classification: Likely benign. Last evaluated: 2026-01-18. Review status: criteria provided, single submitter. Criteria: Invitae Variant Classification Sherloc (09022015). Collection method: clinical testing. Allele origin: germline.

Mayo Clinic Laboratories, Mayo Clinic
Classification: Likely benign. Last evaluated: 2025-02-25. Review status: criteria provided, single submitter. Criteria: ACMG Guidelines, 2015. Collection method: clinical testing. Allele origin: germline. Observed: 1 variant allele.
Comment: BP4, BP7

Blueprint Genetics
Classification: Likely benign. Last evaluated: 2024-03-15. Review status: criteria provided, single submitter. Criteria: ACMG Guidelines, 2015. Collection method: clinical testing. Allele origin: germline.

GeneDx
Classification: Likely benign. Last evaluated: 2019-10-03. Review status: criteria provided, single submitter. Criteria: GeneDx Variant Classification Process June 2021. Collection method: clinical testing. Allele origin: germline. Affected: yes.

PreventionGenetics, part of Exact Sciences
Classification: Likely benign for TWNK-related condition. Last evaluated: 2020-05-04. Review status: no assertion criteria provided. Collection method: clinical testing. Allele origin: germline. Not counted in ClinVar's aggregate classification.
Comment: This variant is classified as likely benign based on ACMG/AMP sequence variant interpretation guidelines (Richards et al. 2015 PMID: 25741868, with internal and published modifications).

NM_021830.5(TWNK):c.75G>A (p.Arg25=)

Gene: TWNK (twinkle mtDNA helicase; plus strand). Cytogenetic location: 10q24.31.
Variant type: single nucleotide variant.
Coding change: c.75G>A on transcript NM_021830.5 (MANE Select); coding-DNA position 75, G replaced by A.
Protein change: p.Arg25=; no amino-acid change (arginine 25 retained).
Molecular consequence: synonymous variant. On other transcripts: non-coding transcript variant (4), intron variant (3).
Genome position (GRCh38, 1-based): chr10:100,988,285, G>A. VCF-style: chr10-100988285-G-A. GRCh37 (hg19) VCF-style: chr10-102748042-G-A.
Other names: p.Arg25=; c.75G>A, p.Arg25= (NM_001163812.2); c.-120+672G>A (NM_001163814.2, NM_001163813.2); c.-58+672G>A (NM_001368275.1).
Identifiers: ClinVar variation 719153 (VCV000719153.16), dbSNP rs140229023, ClinGen allele CA5653018.